The following is an entry in ClinVar:

ClinVar aggregate classification (germline): Uncertain significance (1 of 4 stars; one submission).

Submission:

Greenwood Genetic Center Diagnostic Laboratories, Greenwood Genetic Center
Classification: Uncertain significance. Last evaluated: 2025-06-30. Review status: criteria provided, single submitter. Criteria: ACMG Guidelines, 2015. Collection method: clinical testing. Allele origin: germline. Affected: yes.
Comment: Gene of Uncertain Significance

NM_032242.4(PLXNA1):c.4425C>G (p.Gly1475=)

Gene: PLXNA1 (plexin A1; plus strand). Cytogenetic location: 3q21.3.
Variant type: single nucleotide variant.
Coding change: c.4425C>G on transcript NM_032242.4 (MANE Select); coding-DNA position 4425, C replaced by G.
Protein change: p.Gly1475=; no amino-acid change (glycine 1475 retained).
Molecular consequence: synonymous variant.
Genome position (GRCh38, 1-based): chr3:127,028,002, C>G. VCF-style: chr3-127028002-C-G. GRCh37 (hg19) VCF-style: chr3-126746845-C-G.
Identifiers: ClinVar variation 4538350 (VCV004538350.1).